The following is an entry in ClinVar:

ClinVar aggregate classification (germline): Uncertain significance. Review status: criteria provided, multiple submitters, no conflicts (2 of 4 stars). 3 submissions from 3 submitters: Uncertain significance (3). Last evaluated 2026-01-04.

Conditions:
Neuropathy, hereditary sensory, type 2C. Also called: KIF1A-Related HSAN2 (HSAN2C); Hereditary sensory and autonomic neuropathy type IIC. Identifiers: Orphanet 970, MedGen C3280168, MONDO:0013634, OMIM 614213.
Intellectual disability, autosomal dominant 9 (NESCAVS). Also called: NESCAV SYNDROME; KIF1A-Related Neurodevelopmental Disorder. Identifiers: Orphanet 662367, MedGen C5393830, MONDO:0013656, OMIM 614255.
Hereditary spastic paraplegia 30. Identifiers: Orphanet 101010, MedGen C5235139, MONDO:0012476.
Inborn genetic diseases. Identifiers: MedGen C0950123, MeSH D030342.

Allele frequency attached by ClinVar (database versions not stated): gnomAD 0.00002 and 0.00003; gnomAD exomes 0.00002; TOPMed 0.00002; ExAC 0.00003; ESP Exome Variant Server 0.00008; 1000 Genomes Project 30x 0.00016; 1000 Genomes Project 0.00020.
gnomAD v4.1: 31 of 1,613,540 alleles (0.0019%); highest among the groups gnomAD compares: East Asian, 0.0045%; no homozygotes.

Submissions (3):

Labcorp Genetics (formerly Invitae), Labcorp
Classification: Uncertain significance for Hereditary spastic paraplegia 30; Neuropathy, hereditary sensory, type 2C; Intellectual disability, autosomal dominant 9. Last evaluated: 2026-01-04. Review status: criteria provided, single submitter. Criteria: Invitae Variant Classification Sherloc (09022015). Collection method: clinical testing. Allele origin: germline.
Comment: This sequence change replaces valine, which is neutral and non-polar, with isoleucine, which is neutral and non-polar, at codon 220 of the KIF1A protein (p.Val220Ile). This variant is present in population databases (rs201314877, gnomAD 0.01%). This variant has not been reported in the literature in individuals affected with KIF1A-related conditions. ClinVar contains an entry for this variant (Variation ID: 532858). Invitae Evidence Modeling of protein sequence and biophysical properties (such as structural, functional, and spatial information, amino acid conservation, physicochemical variation, residue mobility, and thermodynamic stability) indicates that this missense variant is expected to disrupt KIF1A protein function with a positive predictive value of 95%. Experimental studies have shown that this missense change does not substantially affect KIF1A function (PMID: 26125038). In summary, the available evidence is currently insufficient to determine the role of this variant in disease. Therefore, it has been classified as a Variant of Uncertain Significance.

GeneDx
Classification: Uncertain significance. Last evaluated: 2022-07-12. Review status: criteria provided, single submitter. Criteria: GeneDx Variant Classification Process June 2021. Collection method: clinical testing. Allele origin: germline. Affected: yes.
Comment: Reported as a polymorphism in published literature as it was identified in healthy controls (Esmaeeli Nieh et al., 2015); In silico analysis supports that this missense variant does not alter protein structure/function; This variant is associated with the following publications: (PMID: 26125038, 21820098, 21376300)

Ambry Genetics
Classification: Uncertain significance for Inborn genetic diseases. Last evaluated: 2020-09-22. Review status: criteria provided, single submitter. Criteria: Ambry Variant Classification Scheme 2023. Collection method: clinical testing. Allele origin: germline.
Comment: The p.V220I variant (also known as c.658G>A), located in coding exon 6 of the KIF1A gene, results from a G to A substitution at nucleotide position 658. The valine at codon 220 is replaced by isoleucine, an amino acid with highly similar properties. This amino acid position is highly conserved in available vertebrate species. In addition, the in silico prediction for this alteration is inconclusive. Since supporting evidence is limited at this time, the clinical significance of this alteration remains unclear.

Literature cited by the submitters: PubMed 26125038 (cited by Labcorp Genetics (formerly Invitae), Labcorp).

NM_001244008.2(KIF1A):c.658G>A (p.Val220Ile)

Gene: KIF1A (kinesin family member 1A; minus strand). Cytogenetic location: 2q37.3.
Variant type: single nucleotide variant.
Coding change: c.658G>A on transcript NM_001244008.2 (MANE Select); coding-DNA position 658, G replaced by A.
Protein change: p.Val220Ile; replaces valine 220 with isoleucine.
Molecular consequence: missense variant.
Genome position (GRCh38, 1-based): chr2:240,785,051, C>T on the plus strand (G>A on the coding strand, the complement: KIF1A is on the minus strand). VCF-style: chr2-240785051-C-T. GRCh37 (hg19) VCF-style: chr2-241724468-C-T.
Other names: c.658G>A, p.Val220Ile (NM_001320705.2, NM_001330289.2, NM_001330290.2 and 20 more transcripts); short protein forms V220I.
Identifiers: ClinVar variation 532858 (VCV000532858.14), dbSNP rs201314877, ClinGen allele CA2208711.
Genomic context (GRCh38, chr2:240,785,051, plus strand): 5'-TCTCCGTGGTGATATTGGTCTCTGCGTCATGGCGCTTCTGGGTGAAGATGATGTTGAAGA[C>T]GGCGTGGGAGCGACTGCTGGTCTCATTCATGTTGGTGGCCGCCACGGTCCTGAGGAGCAG-3'
Protein context (NP_001230937.1, residues 210-230): MNETSSRSHA[Val220Ile]FNIIFTQKRH